The following is an entry in ClinVar:

ClinVar aggregate classification (germline): Conflicting classifications of pathogenicity. Review status: criteria provided, conflicting classifications (1 of 4 stars). 5 submissions from 5 submitters: Uncertain significance (1); Benign (1); Likely benign (3). Last evaluated 2025-10-17.

Conditions:
Hereditary cancer-predisposing syndrome. Also called: Neoplastic Syndromes, Hereditary; Tumor predisposition; Hereditary neoplastic syndrome; Hereditary Cancer Syndrome. Identifiers: Orphanet 140162, MedGen C0027672, MeSH D009386, MONDO:0015356.
Melanoma, cutaneous malignant, susceptibility to, 3. Also called: Cutaneous malignant melanoma 3. Identifiers: Orphanet 618, MedGen C1836892, MONDO:0012183, OMIM 609048.
Familial melanoma. Also called: Hereditary melanoma; Hereditary cutaneous melanoma. Identifiers: Orphanet 618, MedGen C1512419, MONDO:0018961.

Submissions (5):

Labcorp Genetics (formerly Invitae), Labcorp
Classification: Likely benign for Familial melanoma. Last evaluated: 2025-10-17. Review status: criteria provided, single submitter. Criteria: Invitae Variant Classification Sherloc (09022015). Collection method: clinical testing. Allele origin: germline.

Myriad Genetics, Inc.
Classification: Benign for Melanoma, cutaneous malignant, susceptibility to, 3. Last evaluated: 2024-09-25. Review status: criteria provided, single submitter. Criteria: Myriad Autosomal Dominant, Autosomal Recessive and X-Linked Classification Criteria (2023). Collection method: clinical testing. Allele origin: unknown.
Comment: This variant is considered benign. This variant is a silent/synonymous amino acid change and it is not expected to impact splicing.

Quest Diagnostics Nichols Institute San Juan Capistrano
Classification: Uncertain significance. Last evaluated: 2022-10-27. Review status: criteria provided, single submitter. Criteria: Quest Diagnostics criteria. Collection method: clinical testing. Allele origin: unknown.
Comment: To the best of our knowledge, the variant has not been reported in the published literature. It also has not been reported in large, multi-ethnic general populations. Analysis of this variant using software algorithms for the prediction of the effect of nucleotide changes on splicing yielded predictions that this variant does not affect CDK4 mRNA splicing . Based on the available information, we are unable to determine the clinical significance of this variant.

Sema4
Classification: Likely benign for Hereditary cancer-predisposing syndrome. Last evaluated: 2020-12-01. Review status: criteria provided, single submitter. Criteria: Sema4 Curation Guidelines. Collection method: curation. Allele origin: germline.

Ambry Genetics
Classification: Likely benign for Hereditary cancer-predisposing syndrome. Last evaluated: 2018-07-23. Review status: criteria provided, single submitter. Criteria: Ambry Variant Classification Scheme 2023. Collection method: clinical testing. Allele origin: germline.

NM_000075.4(CDK4):c.444G>T (p.Val148=)

Gene: CDK4 (cyclin dependent kinase 4; minus strand). Cytogenetic location: 12q14.1.
Variant type: single nucleotide variant.
Coding change: c.444G>T on transcript NM_000075.4 (MANE Select); coding-DNA position 444, G replaced by T.
Protein change: p.Val148=; no amino-acid change (valine 148 retained).
Molecular consequence: synonymous variant.
Genome position (GRCh38, 1-based): chr12:57,751,001, C>A on the plus strand (G>T on the coding strand, the complement: CDK4 is on the minus strand). VCF-style: chr12-57751001-C-A. GRCh37 (hg19) VCF-style: chr12-58144784-C-A.
Identifiers: ClinVar variation 824901 (VCV000824901.16), dbSNP rs1595110484, ClinGen allele CA480404474.